The following is an entry in ClinVar:

NM_000478.6(ALPL):c.431G>C (p.Gly144Ala)

Gene: ALPL (alkaline phosphatase, biomineralization associated; plus strand). Cytogenetic location: 1p36.12.
Variant type: single nucleotide variant.
Coding change: c.431G>C on transcript NM_000478.6 (MANE Select); coding-DNA position 431, G replaced by C.
Protein change: p.Gly144Ala; replaces glycine 144 with alanine.
Molecular consequence: missense variant.
Genome position (GRCh38, 1-based): chr1:21,563,243, G>C. VCF-style: chr1-21563243-G-C. GRCh37 (hg19) VCF-style: chr1-21889736-G-C.
Other names: c.266G>C, p.Gly89Ala (NM_001127501.4); c.200G>C, p.Gly67Ala (NM_001177520.3); c.431G>C, p.Gly144Ala (NM_001369803.2, NM_001369804.2, NM_001369805.2); short protein forms G144A, G67A, G89A.
Identifiers: ClinVar variation 2811016 (VCV002811016.5), dbSNP rs1291792579, ClinGen allele CA338877319.
Genomic context (GRCh38, chr1:21,563,243, plus strand): 5'-ATGAGGGCACCGTGGGGGTAAGCGCAGCCACTGAGCGTTCCCGGTGCAACACCACCCAGG[G>C]GAACGAGGTCACCTCCATCCTGCGCTGGGCCAAGGACGCTGGTGAGTCGGGGGAGCAGTG-3'
Protein context (NP_000469.3, residues 134-154): TERSRCNTTQ[Gly144Ala]NEVTSILRWA

ClinVar aggregate classification (germline): Uncertain significance. Review status: criteria provided, multiple submitters, no conflicts (2 of 4 stars). 3 submissions from 3 submitters: Uncertain significance (3). Last evaluated 2026-09-01.

Conditions:
Hypophosphatasia. Also called: Phosphoethanol-aminuria. Identifiers: Orphanet 436, MedGen C0020630, MeSH D007014, MONDO:0018570.

Submissions (3):

Genomenon, Inc
Classification: Uncertain significance for Hypophosphatasia. Last evaluated: 2026-09-01. Review status: criteria provided, single submitter. Criteria: Genomenon Sequence Variant Interpretation Standards - Updated. Collection method: curation. Allele origin: germline. Affected: no.
Comment: ALPL p.Gly144Ala (c.431G>C) is a missense variant that changes the amino acid at codon 144 from Glycine to Alanine. This variant has been reported in the published literature (PMID:40386289). It is absent or not present at a significant frequency in gnomAD. In silico models predict that this variant is possibly or probably damaging. In conclusion, we classify ALPL p.Gly144Ala (c.431G>C) as a variant of uncertain significance.

JKU Lab, Dept of Paediatrics, Johannes Kepler University
Classification: Uncertain significance for Hypophosphatasia. Last evaluated: 2024-04-09. Review status: criteria provided, single submitter. Criteria: ACMG Guidelines, 2015. Collection method: clinical testing. Allele origin: germline. Affected: yes.
Comment: The variant is absent from GnomAD. The ACMG criteria can be looked up in the ALPL gene variant database.

Labcorp Genetics (formerly Invitae), Labcorp
Classification: Uncertain significance. Last evaluated: 2023-08-31. Review status: criteria provided, single submitter. Criteria: Invitae Variant Classification Sherloc (09022015). Collection method: clinical testing. Allele origin: germline.
Comment: Advanced modeling of protein sequence and biophysical properties (such as structural, functional, and spatial information, amino acid conservation, physicochemical variation, residue mobility, and thermodynamic stability) performed at Invitae indicates that this missense variant is expected to disrupt ALPL protein function. In summary, the available evidence is currently insufficient to determine the role of this variant in disease. Therefore, it has been classified as a Variant of Uncertain Significance. This sequence change replaces glycine, which is neutral and non-polar, with alanine, which is neutral and non-polar, at codon 144 of the ALPL protein (p.Gly144Ala). This variant is not present in population databases (gnomAD no frequency). This variant has not been reported in the literature in individuals affected with ALPL-related conditions.

Literature cited by the submitters: PubMed 40386289 (cited by Genomenon, Inc).